The following is an entry in ClinVar:

ClinVar aggregate classification (germline): Likely benign. Review status: criteria provided, single submitter (1 of 4 stars). 2 submissions from 2 submitters: Likely benign (1). 1 of the submissions does not count toward it. Last evaluated 2024-06-21.

Conditions:
PSTPIP1-related disorder. Also called: PSTPIP1-related condition.

Allele frequency attached by ClinVar (database versions not stated): gnomAD exomes 0.00008; ESP Exome Variant Server 0.00016; ExAC 0.00026; 1000 Genomes Project 0.00040; 1000 Genomes Project 30x 0.00047.
gnomAD v4.1: 177 of 1,610,060 alleles (0.011%); highest among the groups gnomAD compares: African/African-American, 0.091%; 2 homozygotes.

Submissions (2):

Blueprint Genetics
Classification: Likely benign. Last evaluated: 2024-06-21. Review status: criteria provided, single submitter. Criteria: ACMG Guidelines, 2015. Collection method: clinical testing. Allele origin: germline.

PreventionGenetics, part of Exact Sciences
Classification: Likely benign for PSTPIP1-related condition. Last evaluated: 2023-01-04. Review status: no assertion criteria provided. Collection method: clinical testing. Allele origin: germline. Not counted in ClinVar's aggregate classification.
Comment: This variant is classified as likely benign based on ACMG/AMP sequence variant interpretation guidelines (Richards et al. 2015 PMID: 25741868, with internal and published modifications).

NM_003978.5(PSTPIP1):c.838+24G>A

Gene: PSTPIP1 (proline-serine-threonine phosphatase interacting protein 1; plus strand). Cytogenetic location: 15q24.3.
Variant type: single nucleotide variant.
Coding change: c.838+24G>A on transcript NM_003978.5 (MANE Select); 24 bases into the intron after coding-DNA position 838, G replaced by A.
Molecular consequence: intron variant. On other transcripts: missense variant (1).
Genome position (GRCh38, 1-based): chr15:77,032,418, G>A. VCF-style: chr15-77032418-G-A. GRCh37 (hg19) VCF-style: chr15-77324759-G-A.
Other names: c.862G>A, p.Ala288Thr (NM_001321135.2); c.1033+24G>A (NM_001321137.1); c.811+24G>A (NM_001321136.2); c.838+24G>A (NM_001411086.1); short protein forms A288T.
Identifiers: ClinVar variation 3046634 (VCV003046634.3), dbSNP rs201466172, ClinGen allele CA7676006.